The following is an entry in ClinVar:

NM_000287.4(PEX6):c.403G>C (p.Gly135Arg)

Gene: PEX6 (peroxisomal biogenesis factor 6; minus strand). Cytogenetic location: 6p21.1.
Variant type: single nucleotide variant.
Coding change: c.403G>C on transcript NM_000287.4 (MANE Select); coding-DNA position 403, G replaced by C.
Protein change: p.Gly135Arg; replaces glycine 135 with arginine.
Molecular consequence: missense variant. On other transcripts: non-coding transcript variant (1).
Genome position (GRCh38, 1-based): chr6:42,978,748, C>G on the plus strand (G>C on the coding strand, the complement: PEX6 is on the minus strand). VCF-style: chr6-42978748-C-G. GRCh37 (hg19) VCF-style: chr6-42946486-C-G.
Other names: c.403G>C, p.Gly135Arg (NM_001316313.2); short protein forms G135R.
Identifiers: ClinVar variation 1950326 (VCV001950326.5), dbSNP rs767913986, ClinGen allele CA364165828.

ClinVar aggregate classification (germline): Uncertain significance (1 of 4 stars; one submission).

Conditions:
Peroxisome biogenesis disorder. Identifiers: Orphanet 79189, MedGen C1832200, MONDO:0019234. Disease mechanism: loss of function.

gnomAD v4.1: 1 of 1,536,310 alleles (0.000065%); highest among the groups gnomAD compares: Non-Finnish European, 0.000087%; no homozygotes.

Submission:

Labcorp Genetics (formerly Invitae), Labcorp
Classification: Uncertain significance for Peroxisome biogenesis disorder. Last evaluated: 2021-12-25. Review status: criteria provided, single submitter. Criteria: Invitae Variant Classification Sherloc (09022015). Collection method: clinical testing. Allele origin: germline.
Comment: This sequence change replaces glycine, which is neutral and non-polar, with arginine, which is basic and polar, at codon 135 of the PEX6 protein (p.Gly135Arg). This variant is not present in population databases (gnomAD no frequency). This variant has not been reported in the literature in individuals affected with PEX6-related conditions. Algorithms developed to predict the effect of missense changes on protein structure and function are either unavailable or do not agree on the potential impact of this missense change (SIFT: "Tolerated"; PolyPhen-2: "Probably Damaging"; Align-GVGD: "Class C0"). In summary, the available evidence is currently insufficient to determine the role of this variant in disease. Therefore, it has been classified as a Variant of Uncertain Significance.